The following is an entry in ClinVar:

NM_138576.4(BCL11B):c.2403C>A (p.Cys801Ter)

Gene: BCL11B (BCL11 transcription factor B; minus strand). Cytogenetic location: 14q32.2.
Variant type: single nucleotide variant.
Coding change: c.2403C>A on transcript NM_138576.4 (MANE Select); coding-DNA position 2403, C replaced by A.
Protein change: p.Cys801Ter; replaces cysteine 801 with a stop codon.
Molecular consequence: nonsense.
Genome position (GRCh38, 1-based): chr14:99,174,433, G>T on the plus strand (C>A on the coding strand, the complement: BCL11B is on the minus strand). VCF-style: chr14-99174433-G-T. GRCh37 (hg19) VCF-style: chr14-99640770-G-T.
Other names: c.2400C>A, p.Cys800Ter (NM_001282237.2); c.2187C>A, p.Cys729Ter (NM_001282238.2); c.2190C>A, p.Cys730Ter (NM_022898.3); short protein forms C729*, C730*, C800*, C801*.
Identifiers: ClinVar variation 3027195 (VCV003027195.22), dbSNP rs780100734, ClinGen allele CA390933306.
Genomic context (GRCh38, chr14:99,174,433, plus strand): 5'-CTCGCCGGTGTGGCTCCGCCGGTGCACCGTCAAGTTGCTGCAGTTCTTGAACACCTTGCC[G>T]CAGTACTCGCACGTGTCGCTGCGGCGGCCCTCCTTGGAGCTGGGCCGCCCGGGGCCCGGG-3'

ClinVar aggregate classification (germline): Likely pathogenic (1 of 4 stars; one submission).

Submission:

CeGaT Center for Human Genetics Tuebingen
Classification: Likely pathogenic. Last evaluated: 2024-02-01. Review status: criteria provided, single submitter. Criteria: CeGaT Center For Human Genetics Tuebingen Variant Classification Criteria Version 2. Collection method: clinical testing. Allele origin: germline. Affected: yes. Observed: 1 variant allele.
Comment: BCL11B: PVS1:Strong, PM2, PS2:Supporting